The following is an entry in ClinVar:

ClinVar aggregate classification (germline): Uncertain significance (1 of 4 stars; one submission).

Conditions:
Brugada syndrome. Also called: Sudden Unexplained Death Syndrome; Sudden Unexplained Nocturnal Death Syndrome (SUNDS); Sudden unexplained nocturnal death syndrome; Sudden unexpected nocturnal death syndrome. Identifiers: Orphanet 130, MedGen C1142166, MONDO:0015263.

gnomAD v4.1: 1 of 1,614,238 alleles (0.000062%); highest among the groups gnomAD compares: Non-Finnish European, 0.000085%; no homozygotes.

Submission:

Labcorp Genetics (formerly Invitae), Labcorp
Classification: Uncertain significance for Brugada syndrome. Last evaluated: 2025-03-30. Review status: criteria provided, single submitter. Criteria: Invitae Variant Classification Sherloc (09022015). Collection method: clinical testing. Allele origin: germline.
Comment: This sequence change replaces histidine, which is basic and polar, with glutamine, which is neutral and polar, at codon 443 of the SCN10A protein (p.His443Gln). This variant is not present in population databases (gnomAD no frequency). This variant has not been reported in the literature in individuals affected with SCN10A-related conditions. Invitae Evidence Modeling of protein sequence and biophysical properties (such as structural, functional, and spatial information, amino acid conservation, physicochemical variation, residue mobility, and thermodynamic stability) indicates that this missense variant is not expected to disrupt SCN10A protein function with a negative predictive value of 80%. In summary, the available evidence is currently insufficient to determine the role of this variant in disease. Therefore, it has been classified as a Variant of Uncertain Significance.

NM_006514.4(SCN10A):c.1329C>G (p.His443Gln)

Gene: SCN10A (sodium voltage-gated channel alpha subunit 10; minus strand). Cytogenetic location: 3p22.2.
Variant type: single nucleotide variant.
Coding change: c.1329C>G on transcript NM_006514.4 (MANE Select); coding-DNA position 1329, C replaced by G.
Protein change: p.His443Gln; replaces histidine 443 with glutamine.
Molecular consequence: missense variant.
Genome position (GRCh38, 1-based): chr3:38,755,920, G>C on the plus strand (C>G on the coding strand, the complement: SCN10A is on the minus strand). VCF-style: chr3-38755920-G-C. GRCh37 (hg19) VCF-style: chr3-38797411-G-C.
Other names: c.1329C>G, p.His443Gln (NM_001293306.2, NM_001293307.2); short protein forms H443Q.
Identifiers: ClinVar variation 4751922 (VCV004751922.1).
Genomic context (GRCh38, chr3:38,755,920, plus strand): 5'-CTTTATTCTATGCCTTCTCTCACTGGCATTTTTGGAGGTTAAAGGTGATCCATTGTGGGA[G>C]TGGAGAGAGGTTGTGTCAATCCCTAGTGCTGCTAGCACCTGCGAAGAGAGAACAGCAGGT-3'
Protein context (NP_006505.4, residues 433-453): AALGIDTTSL[His443Gln]SHNGSPLTSK